The following is an entry in ClinVar:

NM_000064.4(C3):c.774-4G>A

Gene: C3 (complement C3; minus strand). Cytogenetic location: 19p13.3.
Variant type: single nucleotide variant.
Coding change: c.774-4G>A on transcript NM_000064.4 (MANE Select); 4 bases into the intron before coding-DNA position 774, G replaced by A.
Molecular consequence: intron variant.
Genome position (GRCh38, 1-based): chr19:6,713,513, C>T on the plus strand (G>A on the coding strand, the complement: C3 is on the minus strand). VCF-style: chr19-6713513-C-T. GRCh37 (hg19) VCF-style: chr19-6713524-C-T.
Other names: c.774-4G>A (LRG_27t1).
Identifiers: ClinVar variation 330335 (VCV000330335.16), dbSNP rs368095422, ClinGen allele CA9129668.

ClinVar aggregate classification (germline): Conflicting classifications of pathogenicity. Review status: criteria provided, conflicting classifications (1 of 4 stars). 7 submissions from 5 submitters: Uncertain significance (1); Benign (2); Likely benign (4). Last evaluated 2026-01-22.

Conditions:
Atypical hemolytic-uremic syndrome. Identifiers: Orphanet 2134, MedGen C2931788, MONDO:0016244.
Complement component 3 deficiency. Identifiers: Orphanet 280133, MedGen C3151071, MONDO:0013417, OMIM 613779.
Atypical hemolytic-uremic syndrome with C3 anomaly. Also called: AHUS, SUSCEPTIBILITY TO, 5. Identifiers: Orphanet 2134, MedGen C2752037, MONDO:0013043, OMIM 612925.
Age related macular degeneration 9. Identifiers: MedGen C1969651, MONDO:0012659, OMIM 611378.

Allele frequency attached by ClinVar (database versions not stated): gnomAD 0.00019 and 0.00023; TOPMed 0.00021; gnomAD exomes 0.00035 and 0.00045; ExAC 0.00036; 1000 Genomes Project 0.00040; ESP Exome Variant Server 0.00054; 1000 Genomes Project 30x 0.00078.

Submissions (7):

Women's Health and Genetics/Laboratory Corporation of America, LabCorp
Classification: Likely benign. Last evaluated: 2026-01-22. Review status: criteria provided, single submitter. Criteria: LabCorp Variant Classification Summary - May 2015. Collection method: clinical testing. Allele origin: germline.

Labcorp Genetics (formerly Invitae), Labcorp
Classification: Benign. Last evaluated: 2025-12-22. Review status: criteria provided, single submitter. Criteria: Invitae Variant Classification Sherloc (09022015). Collection method: clinical testing. Allele origin: germline.

Blueprint Genetics
Classification: Likely benign. Last evaluated: 2024-09-08. Review status: criteria provided, single submitter. Criteria: ACMG Guidelines, 2015. Collection method: clinical testing. Allele origin: germline.

Genome Diagnostics Laboratory, The Hospital for Sick Children
Classification: Likely benign for Atypical hemolytic-uremic syndrome. Last evaluated: 2021-11-02. Review status: criteria provided, single submitter. Criteria: ACMG Guidelines, 2015. Collection method: clinical testing. Allele origin: germline.

Illumina Laboratory Services, Illumina
Classification: Benign for Atypical hemolytic-uremic syndrome with C3 anomaly. Last evaluated: 2018-01-13. Review status: criteria provided, single submitter. Criteria: ICSL Variant Classification Criteria 13 December 2019. Collection method: clinical testing. Allele origin: germline.
Comment: This variant was observed in the ICSL laboratory as part of a predisposition screen in an ostensibly healthy population. It had not been previously curated by ICSL or reported in the Human Gene Mutation Database (HGMD: prior to June 1st, 2018), and was therefore a candidate for classification through an automated scoring system. Utilizing variant allele frequency, disease prevalence and penetrance estimates, and inheritance mode, an automated score was calculated to assess if this variant is too frequent to cause the disease. Based on the score and internal cut-off values, a variant classified as benign is not then subjected to further curation. The score for this variant resulted in a classification of benign for this disease.

Illumina Laboratory Services, Illumina
Classification: Uncertain significance for Complement component 3 deficiency. Last evaluated: 2018-01-13. Review status: criteria provided, single submitter. Criteria: ICSL Variant Classification Criteria 13 December 2019. Collection method: clinical testing. Allele origin: germline.

Illumina Laboratory Services, Illumina
Classification: Likely benign for Age related macular degeneration 9. Last evaluated: 2018-01-13. Review status: criteria provided, single submitter. Criteria: ICSL Variant Classification Criteria 13 December 2019. Collection method: clinical testing. Allele origin: germline.
Comment: This variant was observed in the ICSL laboratory as part of a predisposition screen in an ostensibly healthy population. It had not been previously curated by ICSL or reported in the Human Gene Mutation Database (HGMD: prior to June 1st, 2018), and was therefore a candidate for classification through an automated scoring system. Utilizing variant allele frequency, disease prevalence and penetrance estimates, and inheritance mode, an automated score was calculated to assess if this variant is too frequent to cause the disease. Based on the score and internal cut-off values, a variant classified as likely benign is not then subjected to further curation. The score for this variant resulted in a classification of likely benign for this disease.